The following is an entry in ClinVar:

NM_001008537.3(NEXMIF):c.713del (p.Ala238fs)

Gene: NEXMIF (neurite extension and migration factor; minus strand). Cytogenetic location: Xq13.3.
Variant type: Deletion.
Coding change: c.713del on transcript NM_001008537.3 (MANE Select); coding-DNA position 713, one base deleted (C; older notation c.713delC).
Protein change: p.Ala238fs; shifts the reading frame from alanine 238.
Molecular consequence: frameshift variant.
Genome position (GRCh38, 1-based): chrX:74,743,844, G deleted on the plus strand (C on the coding strand, the reverse complement: NEXMIF is on the minus strand). VCF-style (leftmost placement, unchanged base first): chrX-74743843-TG-T. GRCh37 (hg19) VCF-style: chrX-73963678-TG-T.
Other names: short protein forms A238fs.
Identifiers: ClinVar variation 2818981 (VCV002818981.3), dbSNP rs2519916313, ClinGen allele CA2739273596.

ClinVar aggregate classification (germline): Pathogenic (1 of 4 stars; one submission).

Submission:

Labcorp Genetics (formerly Invitae), Labcorp
Classification: Pathogenic. Last evaluated: 2022-12-06. Review status: criteria provided, single submitter. Criteria: Invitae Variant Classification Sherloc (09022015). Collection method: clinical testing. Allele origin: germline.
Comment: For these reasons, this variant has been classified as Pathogenic. This variant has not been reported in the literature in individuals affected with NEXMIF-related conditions. This variant is not present in population databases (gnomAD no frequency). This sequence change creates a premature translational stop signal (p.Ala238Aspfs*4) in the NEXMIF gene. It is expected to result in an absent or disrupted protein product. Loss-of-function variants in NEXMIF are known to be pathogenic (PMID: 23615299).

Literature cited by the submitters: PubMed 23615299.